The following is an entry in ClinVar:

NM_004991.4(MECOM):c.1717A>C (p.Ile573Leu)

Gene: MECOM (MDS1 and EVI1 complex locus; minus strand). Cytogenetic location: 3q26.2.
Variant type: single nucleotide variant.
Coding change: c.1717A>C on transcript NM_004991.4 (MANE Select); coding-DNA position 1717, A replaced by C.
Protein change: p.Ile573Leu; replaces isoleucine 573 with leucine.
Molecular consequence: missense variant. On other transcripts: intron variant (2).
Genome position (GRCh38, 1-based): chr3:169,116,155, T>G on the plus strand (A>C on the coding strand, the complement: MECOM is on the minus strand). VCF-style: chr3-169116155-T-G. GRCh37 (hg19) VCF-style: chr3-168833943-T-G.
Other names: c.1153A>C, p.Ile385Leu (NM_001205194.2, NM_001366469.2, NM_001366471.2 and 4 more transcripts); c.1717A>C, p.Ile573Leu (NM_001366466.2); c.1156A>C, p.Ile386Leu (NM_001366467.2, NM_001366468.2, NM_001366470.2 and 1 more transcripts); c.1133-388A>C (NM_001366473.2); c.569-388A>C (NM_001366474.2); c.1348A>C, p.Ile450Leu (NM_001105077.4); short protein forms I385L, I386L, I573L, I450L.
Identifiers: ClinVar variation 4826720 (VCV004826720.1).

ClinVar aggregate classification (germline): Uncertain significance (1 of 4 stars; one submission).

Conditions:
Inborn genetic diseases. Identifiers: MedGen C0950123, MeSH D030342.

Submission:

Ambry Genetics
Classification: Uncertain significance for Inborn genetic diseases. Last evaluated: 2026-03-06. Review status: criteria provided, single submitter. Criteria: Ambry Variant Classification Scheme 2023. Collection method: clinical testing. Allele origin: germline.
Comment: The p.I573L variant (also known as c.1717A>C), located in coding exon 8 of the MECOM gene, results from an A to C substitution at nucleotide position 1717. The isoleucine at codon 573 is replaced by leucine, an amino acid with highly similar properties. This amino acid position is conserved. In addition, this alteration is predicted to be tolerated by in silico analysis. Based on the available evidence, the clinical significance of this variant remains unclear.